The following is an entry in ClinVar:

NM_001013836.2(MAD1L1):c.1377C>T (p.Ala459=)

Gene: MAD1L1 (mitotic arrest deficient 1 like 1; minus strand). Cytogenetic location: 7p22.3.
Variant type: single nucleotide variant.
Coding change: c.1377C>T on transcript NM_001013836.2 (MANE Select); coding-DNA position 1377, C replaced by T.
Protein change: p.Ala459=; no amino-acid change (alanine 459 retained).
Molecular consequence: synonymous variant.
Genome position (GRCh38, 1-based): chr7:2,002,104, G>A on the plus strand (C>T on the coding strand, the complement: MAD1L1 is on the minus strand). VCF-style: chr7-2002104-G-A. GRCh37 (hg19) VCF-style: chr7-2041739-G-A.
Other names: c.1377C>T, p.Ala459= (NM_001013837.2, NM_001304523.2, NM_003550.3); c.1101C>T, p.Ala367= (NM_001304524.2).
Identifiers: ClinVar variation 2657222 (VCV002657222.24), dbSNP rs199940133, ClinGen allele CA4123204.

ClinVar aggregate classification (germline): Likely benign (1 of 4 stars; one submission).

Allele frequency attached by ClinVar (database versions not stated): gnomAD 0.00007; ESP Exome Variant Server 0.00008; TOPMed 0.00009; ExAC 0.00011.
gnomAD v4.1: 89 of 1,613,086 alleles (0.0055%); highest among the groups gnomAD compares: Admixed American, 0.027%; no homozygotes.

Submission:

CeGaT Center for Human Genetics Tuebingen
Classification: Likely benign. Last evaluated: 2022-03-01. Review status: criteria provided, single submitter. Criteria: CeGaT Center For Human Genetics Tuebingen Variant Classification Criteria Version 2. Collection method: clinical testing. Allele origin: germline. Affected: yes. Observed: 1 variant allele.
Comment: MAD1L1: BP4, BP7